The following is an entry in ClinVar:

NM_001267550.2(TTN):c.70006G>A (p.Val23336Ile)

Genes: TTN (titin; minus strand), TTN-AS1 (TTN antisense RNA 1; plus strand), LOC126806422 (BRD4-independent group 4 enhancer GRCh37_chr2:179440205-179441404; plus strand). Cytogenetic location: 2q31.2.
Variant type: single nucleotide variant.
Coding change: c.70006G>A on transcript NM_001267550.2 (MANE Select); coding-DNA position 70006, G replaced by A.
Protein change: p.Val23336Ile; replaces valine 23336 with isoleucine.
Molecular consequence: missense variant.
Genome position (GRCh38, 1-based): chr2:178,576,126, C>T on the plus strand (G>A on the coding strand, the complement: TTN is on the minus strand). VCF-style: chr2-178576126-C-T. GRCh37 (hg19) VCF-style: chr2-179440853-C-T.
Other names: p.V21695I:GTA>ATA; c.65083G>A, p.Val21695Ile (NM_001256850.1); c.42811G>A, p.Val14271Ile (NM_003319.4); c.62302G>A, p.Val20768Ile (NM_133378.4); c.43186G>A, p.Val14396Ile (NM_133432.3); c.43387G>A, p.Val14463Ile (NM_133437.4); short protein forms V21695I, V23336I, V14396I, V14271I, V14463I, V20768I.
Identifiers: ClinVar variation 202821 (VCV000202821.5), dbSNP rs781015638, ClinGen allele CA310391.

ClinVar aggregate classification (germline): Uncertain significance. Review status: criteria provided, multiple submitters, no conflicts (2 of 4 stars). 3 submissions from 3 submitters: Uncertain significance (3). Last evaluated 2021-08-13.

Conditions:
Cardiovascular phenotype. Identifiers: MedGen CN230736.
Myopathy, myofibrillar, 9, with early respiratory failure (MFM9). Also called: EDSTROM MYOPATHY; MYOPATHY, PROXIMAL, WITH EARLY RESPIRATORY MUSCLE INVOLVEMENT; Myopathy, distal, with early respiratory failure, autosomal dominant; Hereditary myopathy with early respiratory failure. Identifiers: Orphanet 178464, Orphanet 34521, MedGen C1863599, MONDO:0011362, OMIM 603689.
Early-onset myopathy with fatal cardiomyopathy (CMYO5). Also called: CONGENITAL MYOPATHY 5 WITH CARDIOMYOPATHY; Salih Myopathy. Identifiers: Orphanet 289377, MedGen C2673677, MONDO:0012714, OMIM 611705. Disease mechanism: loss of function.
Hypertrophic cardiomyopathy 9. Also called: Familial hypertrophic cardiomyopathy 9. Identifiers: MedGen C1861065, MONDO:0013412, OMIM 613765.
Dilated cardiomyopathy 1G (CMD1G). Identifiers: Orphanet 154, MedGen C1858763, MONDO:0011400, OMIM 604145.
Tibial muscular dystrophy (TMD). Also called: UDD MYOPATHY; Tibial muscular dystrophy, tardive; Udd Distal Myopathy – Tibial Muscular Dystrophy. Identifiers: Orphanet 609, MedGen C1838244, MONDO:0010870, OMIM 600334.
Autosomal recessive limb-girdle muscular dystrophy type 2J (LGMDR10). Also called: MUSCULAR DYSTROPHY, LIMB-GIRDLE, AUTOSOMAL RECESSIVE 10; Limb-girdle muscular dystrophy, type 2J. Identifiers: Orphanet 140922, MedGen C1837342, MONDO:0012127, OMIM 608807.

Allele frequency attached by ClinVar (database versions not stated): gnomAD 0.00001; gnomAD exomes 0.00001 and 0.00002; ExAC 0.00002; TOPMed 0.00002.
gnomAD v4.1: 17 of 1,613,326 alleles (0.0011%); highest among the groups gnomAD compares: African/African-American, 0.0053%; no homozygotes.

Submissions (3):

Fulgent Genetics
Classification: Uncertain significance for Tibial muscular dystrophy; Myopathy, myofibrillar, 9, with early respiratory failure; Dilated cardiomyopathy 1G; Autosomal recessive limb-girdle muscular dystrophy type 2J; Early-onset myopathy with fatal cardiomyopathy; Hypertrophic cardiomyopathy 9. Last evaluated: 2021-08-13. Review status: criteria provided, single submitter. Criteria: ACMG Guidelines, 2015. Collection method: clinical testing. Allele origin: unknown.

Ambry Genetics
Classification: Uncertain significance for Cardiovascular phenotype. Last evaluated: 2019-08-16. Review status: criteria provided, single submitter. Criteria: Ambry Variant Classification Scheme 2023. Collection method: clinical testing. Allele origin: germline.
Comment: The p.V14271I variant (also known as c.42811G>A), located in coding exon 153 of the TTN gene, results from a G to A substitution at nucleotide position 42811. The valine at codon 14271 is replaced by isoleucine, an amino acid with highly similar properties. This amino acid position is not well conserved in available vertebrate species, and isoleucine is the reference amino acid in other vertebrate species. In addition, this alteration is predicted to be tolerated by in silico analysis. Since supporting evidence is limited at this time, the clinical significance of this alteration remains unclear.

GeneDx
Classification: Uncertain significance. Last evaluated: 2013-06-12. Review status: criteria provided, single submitter. Criteria: GeneDx Variant Classification (06012015). Collection method: clinical testing. Allele origin: germline. Affected: yes.
Comment: Missense variants in the TTN gene are considered 'unclassified' if they are not previously reported in the literature and do not have >1% frequency in the population to be considered a polymorphism. Research indicates that truncating mutations in the TTN gene are expected to account for approximately 25% of familial and 18% of sporadic idiopathic DCM; however, truncating variants in the TTN gene have been reported in approximately 3% of reported control alleles. There has been little investigation into non-truncating variants. (Herman D et al. Truncations of titin causing dilated cardiomyopathy. N Eng J Med 366:619-628, 2012) The variant is found in DCM panel(s).